The following is an entry in ClinVar:

NM_001267550.2(TTN):c.67159del (p.Ile22386_Ile22387insTer)

Genes: TTN (titin; minus strand), TTN-AS1 (TTN antisense RNA 1; plus strand). Cytogenetic location: 2q31.2.
Variant type: Deletion.
Coding change: c.67159del on transcript NM_001267550.2 (MANE Select); coding-DNA position 67159, one base deleted (A; older notation c.67159delA).
Protein change: p.Ile22386_Ile22387insTer.
Molecular consequence: nonsense.
Genome position (GRCh38, 1-based): chr2:178,580,128, T deleted on the plus strand (A on the coding strand, the reverse complement: TTN is on the minus strand). VCF-style (leftmost placement, unchanged base first): chr2-178580127-AT-A. GRCh37 (hg19) VCF-style: chr2-179444854-AT-A.
Other names: c.67159delA (LRG_391t1); c.62236del, p.Ile20745_Ile20746insTer (NM_001256850.1); c.39964del, p.Ile13321_Ile13322insTer (NM_003319.4); c.59455del, p.Ile19818_Ile19819insTer (NM_133378.4); c.40339del, p.Ile13446_Ile13447insTer (NM_133432.3); c.40540del, p.Ile13513_Ile13514insTer (NM_133437.4).
Identifiers: ClinVar variation 223338 (VCV000223338.1), dbSNP rs869312092, ClinGen allele CA353359.
Genomic context (GRCh38, chr2:178,580,127, plus strand): 5'-TCAGTTGTCACTGTAGACCAGGATTTCCTCTCTGCATCACGTTTTTGTACCACATAGTTT[AT>A]GATGGGGCTTCCGCCATCAATAATGGGAGGCTCCCAGGTAACATAAGCAGAGTCTTTGGA-3'

ClinVar aggregate classification (germline): Uncertain significance (1 of 4 stars; one submission).

Conditions:
Primary dilated cardiomyopathy (DCM). Also called: Dilated Cardiomyopathy. Identifiers: Orphanet 217604, MedGen C0007193, MeSH D002311, MONDO:0005021, HP:0001644. Inheritance: Various modes of inheritance.

Submission:

Cardiovascular Biomedical Research Unit, Royal Brompton & Harefield NHS Foundation Trust
Classification: Uncertain significance for Primary dilated cardiomyopathy. Last evaluated: 2014-10-08. Review status: criteria provided, single submitter. Criteria: Roberts et al. 2015. Collection method: research. Allele origin: germline. Inheritance: Autosomal dominant inheritance. Affected: no. Observed: 1 variant allele. Study: Healthy Volunteers.
Comment: In the seven cohorts assessed, TTNtv were found in 14% of ambulant DCM, 22% end-stage or familial DCM, and 2% controls. Heterozygous nonsense, frameshift and canonical splice-disrupting variants found in constitutive and other highly utilised exons are highly likely to be pathogenic when identified in individuals with phenotypically confirmed DCM. TTNtv found incidentally in healthy individuals (excluding familial assessment of DCM relatives) are thought to have low penetrance, particularly when identified in exons that are not constitutively expressed in the heart.